The following is an entry in ClinVar:

NM_018006.5(TRMU):c.81_82del (p.Gly28fs)

Gene: TRMU (tRNA mitochondrial 2-thiouridylase; plus strand). Cytogenetic location: 22q13.31.
Variant type: Microsatellite.
Coding change: c.81_82del on transcript NM_018006.5 (MANE Select); coding-DNA positions 81 to 82, 2 bases deleted (AG; older notation c.81_82delAG).
Protein change: p.Gly28fs; shifts the reading frame from glycine 28.
Molecular consequence: frameshift variant. On other transcripts: 5 prime UTR variant (3), non-coding transcript variant (2).
Genome position (GRCh38, 1-based): chr22:46,335,845-46,335,846, AG deleted; deleting any 2 consecutive bases within chr22:46,335,842-46,335,846 gives the same sequence; the c. name uses the placement nearest the transcript's 3' end. VCF-style (leftmost placement, unchanged base first): chr22-46335841-GGA-G. GRCh37 (hg19) VCF-style: chr22-46731738-GGA-G.
Other names: c.79_80AG[1], p.Gly28Leufs (NM_001008568.2, NM_001008570.2); c.-157AG[1] (NM_001282782.2); c.-176AG[1] (NM_001282783.2, NM_001282784.2); c.81_82del, p.Gly28fs (NM_001282785.2); c.81_82del (NM_018006.4); short protein forms G28fs.
Identifiers: ClinVar variation 2867021 (VCV002867021.4), dbSNP rs2077957664, ClinGen allele CA2408692406.

ClinVar aggregate classification (germline): Pathogenic/Likely pathogenic. Review status: criteria provided, multiple submitters, no conflicts (2 of 4 stars). 2 submissions from 2 submitters: Pathogenic (1); Likely pathogenic (1). Last evaluated 2025-12-08.

Conditions:
Acute infantile liver failure due to synthesis defect of mtDNA-encoded proteins. Also called: Liver failure acute infantile; TRMU Deficiency; LIVER FAILURE, INFANTILE, TRANSIENT. Identifiers: Orphanet 217371, MedGen C3278664, MONDO:0013111, OMIM 613070.

Submissions (2):

Natera, Inc.
Classification: Likely pathogenic for Acute infantile liver failure due to synthesis defect of mtDNA-encoded proteins. Last evaluated: 2025-12-08. Review status: criteria provided, single submitter. Criteria: Natera Variant Classification Schema (03/2026). Collection method: clinical testing. Allele origin: germline.
Comment: The c.81_82del variant in TRMU is a frameshift variant predicted to shift the reading frame beginning at codon 28 and leads to a stop codon 16 codons downstream. This variant is expected to result in nonsense mediated decay, truncation, or a dysfunctional protein product. This variant is rare in the general population with a frequency below the threshold expected for the associated phenotype(s). Given the available evidence, this variant is classified as Likely Pathogenic.

Labcorp Genetics (formerly Invitae), Labcorp
Classification: Pathogenic. Last evaluated: 2023-05-26. Review status: criteria provided, single submitter. Criteria: Invitae Variant Classification Sherloc (09022015). Collection method: clinical testing. Allele origin: germline.
Comment: This sequence change creates a premature translational stop signal (p.Gly28Leufs*16) in the TRMU gene. It is expected to result in an absent or disrupted protein product. Loss-of-function variants in TRMU are known to be pathogenic (PMID: 19732863, 23625533). This variant is not present in population databases (gnomAD no frequency). This variant has not been reported in the literature in individuals affected with TRMU-related conditions. For these reasons, this variant has been classified as Pathogenic.

Literature cited by the submitters: PubMed 19732863 (cited by Labcorp Genetics (formerly Invitae), Labcorp); PubMed 23625533 (cited by Labcorp Genetics (formerly Invitae), Labcorp).